The following is an entry in ClinVar:

ClinVar aggregate classification (germline): Pathogenic. Review status: criteria provided, multiple submitters, no conflicts (2 of 4 stars). 2 submissions from 2 submitters: Pathogenic (2). Last evaluated 2025-09-02.

Conditions:
Hydrocephalus, nonsyndromic, autosomal recessive 1 (HYC1). Also called: Congenital hydrocephalus 1; Hydrocephalus, nonsyndromic, autosomal recessive. Identifiers: Orphanet 2185, MedGen C3887608, MONDO:0009360, OMIM 236600.

Submissions (2):

Myriad Genetics, Inc.
Classification: Pathogenic for Hydrocephalus, nonsyndromic, autosomal recessive 1. Last evaluated: 2025-09-02. Review status: criteria provided, single submitter. Criteria: Myriad Autosomal Dominant, Autosomal Recessive and X-Linked Classification Criteria (2023). Collection method: clinical testing. Allele origin: unknown.
Comment: NM_001080414.3(CCDC88C):c.3247_3248delCT(L1083Gfs*132) is expected to be pathogenic in the context of congenital hydrocephalus, CCDC88C-related. This variant is predicted to lead to an abnormal or absent protein product due to the creation of a premature termination codon in CCDC88C, a gene where loss-of-function variants are known to be pathogenic. Please note: this variant was assessed in the context of healthy population screening.

Labcorp Genetics (formerly Invitae), Labcorp
Classification: Pathogenic. Last evaluated: 2023-09-21. Review status: criteria provided, single submitter. Criteria: Invitae Variant Classification Sherloc (09022015). Collection method: clinical testing. Allele origin: germline.
Comment: This sequence change creates a premature translational stop signal (p.Leu1083Glyfs*132) in the CCDC88C gene. It is expected to result in an absent or disrupted protein product. Loss-of-function variants in CCDC88C are known to be pathogenic (PMID: 23042809, 29225145). This variant is not present in population databases (gnomAD no frequency). This variant has not been reported in the literature in individuals affected with CCDC88C-related conditions. For these reasons, this variant has been classified as Pathogenic.

Literature cited by the submitters: PubMed 23042809 (cited by Labcorp Genetics (formerly Invitae), Labcorp); PubMed 29225145 (cited by Labcorp Genetics (formerly Invitae), Labcorp).

NM_001080414.4(CCDC88C):c.3247_3248del (p.Leu1083fs)

Gene: CCDC88C (coiled-coil and HOOK domain protein 88C; minus strand). Cytogenetic location: 14q32.11.
Variant type: Deletion.
Coding change: c.3247_3248del on transcript NM_001080414.4 (MANE Select); coding-DNA positions 3247 to 3248, 2 bases deleted (CT; older notation c.3247_3248delCT).
Protein change: p.Leu1083fs; shifts the reading frame from leucine 1083.
Molecular consequence: frameshift variant.
Genome position (GRCh38, 1-based): chr14:91,305,874-91,305,875, AG deleted on the plus strand (CT on the coding strand, the reverse complement: CCDC88C is on the minus strand). VCF-style (leftmost placement, unchanged base first): chr14-91305873-CAG-C. GRCh37 (hg19) VCF-style: chr14-91772217-CAG-C.
Other names: short protein forms L1083fs.
Identifiers: ClinVar variation 2762323 (VCV002762323.4), dbSNP rs2544361343, ClinGen allele CA2697554126.